The following is an entry in ClinVar:

NM_003049.4(SLC10A1):c.340G>A (p.Gly114Arg)

Gene: SLC10A1 (solute carrier family 10 member 1; minus strand). Cytogenetic location: 14q24.1.
Variant type: single nucleotide variant.
Coding change: c.340G>A on transcript NM_003049.4 (MANE Select); coding-DNA position 340, G replaced by A.
Protein change: p.Gly114Arg; replaces glycine 114 with arginine.
Molecular consequence: missense variant.
Genome position (GRCh38, 1-based): chr14:69,796,816, C>T on the plus strand (G>A on the coding strand, the complement: SLC10A1 is on the minus strand). VCF-style: chr14-69796816-C-T. GRCh37 (hg19) VCF-style: chr14-70263533-C-T.
Other names: c.340G>A (NM_003049.3); short protein forms G114R.
Identifiers: ClinVar variation 502767 (VCV000502767.6), dbSNP rs774528826, ClinGen allele CA262965360.

ClinVar aggregate classification (germline): Uncertain significance. Review status: criteria provided, multiple submitters, no conflicts (2 of 4 stars). 2 submissions from 2 submitters: Uncertain significance (2). Last evaluated 2026-04-14.

Conditions:
SLC10A1-related disorder. Also called: SLC10A1-related condition.

gnomAD v4.1: 16 of 1,613,742 alleles (0.00099%); highest among the groups gnomAD compares: Admixed American, 0.012%; no homozygotes.

Submissions (2):

PreventionGenetics, part of Exact Sciences
Classification: Uncertain significance for SLC10A1-related condition. Last evaluated: 2026-04-14. Review status: criteria provided, single submitter. Criteria: ACMG Guidelines, 2015. Collection method: clinical testing. Allele origin: germline.
Comment: The SLC10A1 c.340G>A variant is predicted to result in the amino acid substitution p.Gly114Arg. To our knowledge, this variant has not been reported in the literature or in a large population database (gnomAD), indicating this variant is rare. At this time, the clinical significance of this variant is uncertain due to the absence of conclusive functional and genetic evidence.

Eurofins Ntd Llc (ga)
Classification: Uncertain significance. Last evaluated: 2018-01-11. Review status: criteria provided, single submitter. Criteria: EGL Classification Definitions 2015. Collection method: clinical testing. Allele origin: germline. Observed: 2 variant alleles, 2 heterozygotes.